The following is an entry in ClinVar:

ClinVar aggregate classification (germline): Uncertain significance. Review status: criteria provided, multiple submitters, no conflicts (2 of 4 stars). 2 submissions from 2 submitters: Uncertain significance (2). Last evaluated 2022-06-20.

Conditions:
Megalencephalic leukoencephalopathy with subcortical cysts 1 (MLC1). Also called: VACUOLATING MEGALENCEPHALIC LEUKOENCEPHALOPATHY WITH SUBCORTICAL CYSTS; LEUKOENCEPHALOPATHY WITH SWELLING AND CYSTS. Identifiers: Orphanet 2478, MedGen C5779875, MONDO:0024555, OMIM 604004.

Allele frequency attached by ClinVar (database versions not stated): ExAC 0.00012; TOPMed 0.00012; gnomAD exomes 0.00015 and 0.00023; ESP Exome Variant Server 0.00023.
gnomAD v4.1: 355 of 1,613,944 alleles (0.022%); highest among the groups gnomAD compares: Non-Finnish European, 0.028%; no homozygotes.

Submissions (2):

Labcorp Genetics (formerly Invitae), Labcorp
Classification: Uncertain significance. Last evaluated: 2022-06-20. Review status: criteria provided, single submitter. Criteria: Invitae Variant Classification Sherloc (09022015). Collection method: clinical testing. Allele origin: germline.
Comment: This sequence change replaces proline, which is neutral and non-polar, with leucine, which is neutral and non-polar, at codon 77 of the MLC1 protein (p.Pro77Leu). This variant is present in population databases (rs145484765, gnomAD 0.03%). This variant has not been reported in the literature in individuals affected with MLC1-related conditions. ClinVar contains an entry for this variant (Variation ID: 1033743). Algorithms developed to predict the effect of missense changes on protein structure and function (SIFT, PolyPhen-2, Align-GVGD) all suggest that this variant is likely to be disruptive. In summary, the available evidence is currently insufficient to determine the role of this variant in disease. Therefore, it has been classified as a Variant of Uncertain Significance.

Baylor Genetics
Classification: Uncertain significance for Megalencephalic leukoencephalopathy with subcortical cysts 1. Last evaluated: 2018-02-12. Review status: criteria provided, single submitter. Criteria: ACMG Guidelines, 2015. Collection method: clinical testing. Allele origin: maternal. Affected: yes.
Comment: This variant was determined to be of uncertain significance according to ACMG Guidelines, 2015 [PMID:25741868].

NM_015166.4(MLC1):c.230C>T (p.Pro77Leu)

Genes: MLC1 (modulator of VRAC current 1; minus strand), LOC125446261 (Sharpr-MPRA regulatory region 9327; plus strand). Cytogenetic location: 22q13.33.
Variant type: single nucleotide variant.
Coding change: c.230C>T on transcript NM_015166.4 (MANE Select); coding-DNA position 230, C replaced by T.
Protein change: p.Pro77Leu; replaces proline 77 with leucine.
Molecular consequence: missense variant. On other transcripts: 5 prime UTR variant (1), non-coding transcript variant (3), intron variant (1).
Genome position (GRCh38, 1-based): chr22:50,083,121, G>A on the plus strand (C>T on the coding strand, the complement: MLC1 is on the minus strand). VCF-style: chr22-50083121-G-A. GRCh37 (hg19) VCF-style: chr22-50521550-G-A.
Other names: c.230C>T, p.Pro77Leu (NM_001376472.1, NM_001376473.1, NM_001376474.1 and 9 more transcripts); c.-8C>T (NM_001376484.1); c.177+1605C>T (NM_001376480.1); short protein forms P77L.
Identifiers: ClinVar variation 1033743 (VCV001033743.3), dbSNP rs145484765, ClinGen allele CA10303647.
Genomic context (GRCh38, chr22:50,083,121, plus strand): 5'-GAGGCGTGGAGGAAGCTGCTTACAGAGCCTGCAGCACAGCGCAAGTAATCCATCTCAGCC[G>A]GGAACACGTTCCCCAGGTACAGCGAAAACCCCGAGGTCACCAGGAGGCAGCTCTGCAAGA-3'
Protein context (NP_055981.1, residues 67-87): GFSLYLGNVF[Pro77Leu]AEMDYLRCAA